The following is an entry in ClinVar:

ClinVar aggregate classification (germline): Likely benign. Review status: criteria provided, multiple submitters, no conflicts (2 of 4 stars). 3 submissions from 3 submitters: Likely benign (2). 1 of the submissions does not count toward it. Last evaluated 2025-09-03.

Conditions:
CIT-related disorder. Also called: CIT-related condition.

Allele frequency attached by ClinVar (database versions not stated): 1000 Genomes Project 0.00020; ExAC 0.00027; TOPMed 0.00029; 1000 Genomes Project 30x 0.00031; gnomAD 0.00033; ESP Exome Variant Server 0.00069.
gnomAD v4.1: 634 of 1,611,842 alleles (0.039%); highest among the groups gnomAD compares: Non-Finnish European, 0.05%; no homozygotes.

Submissions (3):

Labcorp Genetics (formerly Invitae), Labcorp
Classification: Likely benign. Last evaluated: 2025-09-03. Review status: criteria provided, single submitter. Criteria: Invitae Variant Classification Sherloc (09022015). Collection method: clinical testing. Allele origin: germline.

CeGaT Center for Human Genetics Tuebingen
Classification: Likely benign. Last evaluated: 2025-05-01. Review status: criteria provided, single submitter. Criteria: CeGaT Center For Human Genetics Tuebingen Variant Classification Criteria Version 2. Collection method: clinical testing. Allele origin: germline. Affected: yes. Observed: 2 variant alleles.
Comment: CIT: BP4, BP7

PreventionGenetics, part of Exact Sciences
Classification: Likely benign for CIT-related condition. Last evaluated: 2019-02-22. Review status: no assertion criteria provided. Collection method: clinical testing. Allele origin: germline. Not counted in ClinVar's aggregate classification.
Comment: This variant is classified as likely benign based on ACMG/AMP sequence variant interpretation guidelines (Richards et al. 2015 PMID: 25741868, with internal and published modifications).

NM_001206999.2(CIT):c.2409C>T (p.Ser803=)

Gene: CIT (citron rho-interacting serine/threonine kinase; minus strand). Cytogenetic location: 12q24.23.
Variant type: single nucleotide variant.
Coding change: c.2409C>T on transcript NM_001206999.2 (MANE Select); coding-DNA position 2409, C replaced by T.
Protein change: p.Ser803=; no amino-acid change (serine 803 retained).
Molecular consequence: synonymous variant.
Genome position (GRCh38, 1-based): chr12:119,760,951, G>A on the plus strand (C>T on the coding strand, the complement: CIT is on the minus strand). VCF-style: chr12-119760951-G-A. GRCh37 (hg19) VCF-style: chr12-120198755-G-A.
Other names: c.2283C>T, p.Ser761= (NM_007174.3); c.2409C>T (NM_001206999.1).
Identifiers: ClinVar variation 2154852 (VCV002154852.29), dbSNP rs138651199, ClinGen allele CA6821788.